The following is an entry in ClinVar:

NM_001160372.4(TRAPPC9):c.3437C>T (p.Ala1146Val)

Gene: TRAPPC9 (trafficking protein particle complex subunit 9; minus strand). Cytogenetic location: 8q24.3.
Variant type: single nucleotide variant.
Coding change: c.3437C>T on transcript NM_001160372.4 (MANE Select); coding-DNA position 3437, C replaced by T.
Protein change: p.Ala1146Val; replaces alanine 1146 with valine.
Molecular consequence: missense variant. On other transcripts: non-coding transcript variant (1).
Genome position (GRCh38, 1-based): chr8:139,731,071, G>A on the plus strand (C>T on the coding strand, the complement: TRAPPC9 is on the minus strand). VCF-style: chr8-139731071-G-A. GRCh37 (hg19) VCF-style: chr8-140743314-G-A.
Other names: c.3410C>T, p.Ala1137Val (NM_001321646.2); c.3458C>T, p.Ala1153Val (NM_001374682.1); c.3326C>T, p.Ala1109Val (NM_001374683.1); c.3293C>T, p.Ala1098Val (NM_001374684.1); c.3437C>T, p.Ala1146Val (NM_031466.8); short protein forms A1109V, A1098V, A1137V, A1146V, A1153V.
Identifiers: ClinVar variation 1482005 (VCV001482005.3), dbSNP rs754061906, ClinGen allele CA4892704.
Genomic context (GRCh38, chr8:139,731,071, plus strand): 5'-AGGCAGGGTCACCTCTGGCCCTGCAGAAAGAGGGACGGAAGTAGGCGGGCTCAGGCCTGC[G>A]CCTCCAGGGCACACACGTGCACACTGGGCAGGCAGAACCAAGAGGGTGGCAGCTCCTTGC-3'
Protein context (NP_001153844.1, residues 1136-1148): LPSVHVCALE[Ala1146Val]QA

ClinVar aggregate classification (germline): Uncertain significance (1 of 4 stars; one submission).

Allele frequency attached by ClinVar (database versions not stated): TOPMed below 0.00001.
gnomAD v4.1: 32 of 1,612,654 alleles (0.002%); highest among the groups gnomAD compares: Middle Eastern, 0.037%; no homozygotes.

Submission:

Labcorp Genetics (formerly Invitae), Labcorp
Classification: Uncertain significance. Last evaluated: 2021-10-07. Review status: criteria provided, single submitter. Criteria: Invitae Variant Classification Sherloc (09022015). Collection method: clinical testing. Allele origin: germline.
Comment: This sequence change replaces alanine with valine at codon 1244 of the TRAPPC9 protein (p.Ala1244Val). The alanine residue is weakly conserved and there is a small physicochemical difference between alanine and valine. This variant is present in population databases (rs754061906, ExAC 0.003%). This variant has not been reported in the literature in individuals affected with TRAPPC9-related conditions. Algorithms developed to predict the effect of missense changes on protein structure and function output the following: SIFT: "Not Available"; PolyPhen-2: "Benign"; Align-GVGD: "Not Available". The valine amino acid residue is found in multiple mammalian species, which suggests that this missense change does not adversely affect protein function. In summary, the available evidence is currently insufficient to determine the role of this variant in disease. Therefore, it has been classified as a Variant of Uncertain Significance.